The following is an entry in ClinVar:

NM_001130965.3(SUN1):c.763G>C (p.Ala255Pro)

Gene: SUN1 (Sad1 and UNC84 domain containing 1; plus strand). Cytogenetic location: 7p22.3.
Variant type: single nucleotide variant.
Coding change: c.763G>C on transcript NM_001130965.3 (MANE Select); coding-DNA position 763, G replaced by C.
Protein change: p.Ala255Pro; replaces alanine 255 with proline.
Molecular consequence: missense variant. On other transcripts: non-coding transcript variant (3).
Genome position (GRCh38, 1-based): chr7:851,955, G>C. VCF-style: chr7-851955-G-C. GRCh37 (hg19) VCF-style: chr7-891592-G-C.
Other names: c.457G>C, p.Ala153Pro (NM_001171944.2); c.763G>C, p.Ala255Pro (NM_001367633.1, NM_001367634.1, NM_001367665.1 and 3 more transcripts); c.412G>C, p.Ala138Pro (NM_001367635.1); c.1006G>C, p.Ala336Pro (NM_001367636.1, NM_001367666.1, NM_001367655.1 and 1 more transcripts); c.874G>C, p.Ala292Pro (NM_001367638.1, NM_001367664.1, NM_001367685.1 and 1 more transcripts); c.307G>C, p.Ala103Pro (NM_001367639.1); c.946G>C, p.Ala316Pro (NM_001367640.1, NM_001367675.1, NM_001367676.1); c.1045G>C, p.Ala349Pro (NM_001367641.1, NM_001367682.1, NM_001367698.1); and 24 more; short protein forms A200P, A209P, A242P, A292P, A308P, A336P, A386P, A66P.
Identifiers: ClinVar variation 4743563 (VCV004743563.1).
Genomic context (GRCh38, chr7:851,955, plus strand): 5'-GAGCTTGGTTTTCCTAAAAACATTTCCTTAGAATGTTTGGTGTTTTCTCTTGTAGGGAAG[G>C]CAGCCTCTGGAGTGTTCTGGTGGCTGGGGATTGGATGGTACCAGTTTGTTACTTTGATTT-3'
Protein context (NP_001124437.1, residues 245-265): LWLAVVAPGK[Ala255Pro]ASGVFWWLGI

ClinVar aggregate classification (germline): Uncertain significance (1 of 4 stars; one submission).

Conditions:
Emery-Dreifuss muscular dystrophy (EDMD). Also called: Scapuloperoneal syndrome, X-linked (formerly); Humeroperoneal neuromuscular disease, (formerly). Identifiers: Orphanet 261, MedGen C0410189, MONDO:0016830.

Submission:

Labcorp Genetics (formerly Invitae), Labcorp
Classification: Uncertain significance for Emery-Dreifuss muscular dystrophy. Last evaluated: 2025-07-21. Review status: criteria provided, single submitter. Criteria: Invitae Variant Classification Sherloc (09022015). Collection method: clinical testing. Allele origin: germline.
Comment: This sequence change replaces alanine, which is neutral and non-polar, with proline, which is neutral and non-polar, at codon 255 of the SUN1 protein (p.Ala255Pro). This variant is not present in population databases (gnomAD no frequency). This variant has not been reported in the literature in individuals affected with SUN1-related conditions. An algorithm developed to predict the effect of missense changes on protein structure and function (PolyPhen-2) suggests that this variant is likely to be disruptive. In summary, the available evidence is currently insufficient to determine the role of this variant in disease. Therefore, it has been classified as a Variant of Uncertain Significance.